The following is an entry in ClinVar:

ClinVar aggregate classification (germline): Uncertain significance (1 of 4 stars; one submission).

Conditions:
PLD1-related disorder. Also called: PLD1-related condition.

gnomAD v4.1: 9 of 1,571,802 alleles (0.00057%); highest among the groups gnomAD compares: Admixed American, 0.015%; no homozygotes.

Submission:

PreventionGenetics, part of Exact Sciences
Classification: Uncertain significance for PLD1-related condition. Last evaluated: 2026-03-29. Review status: criteria provided, single submitter. Criteria: ACMG Guidelines, 2015. Collection method: clinical testing. Allele origin: germline.
Comment: The PLD1 c.1073C>T variant is predicted to result in the amino acid substitution p.Ala358Val. To our knowledge, this variant has not been reported in the literature. This variant is reported in 0.020% of alleles in individuals of Latino descent in gnomAD. At this time, the clinical significance of this variant is uncertain due to the absence of conclusive functional and genetic evidence.

NM_002662.5(PLD1):c.1073C>T (p.Ala358Val)

Gene: PLD1 (phospholipase D1; minus strand). Cytogenetic location: 3q26.31.
Variant type: single nucleotide variant.
Coding change: c.1073C>T on transcript NM_002662.5 (MANE Select); coding-DNA position 1073, C replaced by T.
Protein change: p.Ala358Val; replaces alanine 358 with valine.
Molecular consequence: missense variant.
Genome position (GRCh38, 1-based): chr3:171,708,827, G>A on the plus strand (C>T on the coding strand, the complement: PLD1 is on the minus strand). VCF-style: chr3-171708827-G-A. GRCh37 (hg19) VCF-style: chr3-171426617-G-A.
Other names: c.1073C>T, p.Ala358Val (NM_001130081.3); short protein forms A358V.
Identifiers: ClinVar variation 4986623 (VCV004986623.1).